The following is an entry in ClinVar:

ClinVar aggregate classification (germline): Uncertain significance (1 of 4 stars; one submission).

Allele frequency attached by ClinVar (database versions not stated): TOPMed 0.00002; ESP Exome Variant Server 0.00008.
gnomAD v4.1: 7 of 1,612,364 alleles (0.00043%); highest among the groups gnomAD compares: Non-Finnish European, 0.00051%; no homozygotes.

Submission:

Greenwood Genetic Center Diagnostic Laboratories, Greenwood Genetic Center
Classification: Uncertain significance. Last evaluated: 2021-02-15. Review status: criteria provided, single submitter. Criteria: ACMG Guidelines, 2015. Collection method: clinical testing. Allele origin: germline. Affected: yes.
Comment: PP3, PM2

NM_001846.4(COL4A2):c.827G>T (p.Gly276Val)

Gene: COL4A2 (collagen type IV alpha 2 chain; plus strand). Cytogenetic location: 13q34.
Variant type: single nucleotide variant.
Coding change: c.827G>T on transcript NM_001846.4 (MANE Select); coding-DNA position 827, G replaced by T.
Protein change: p.Gly276Val; replaces glycine 276 with valine.
Molecular consequence: missense variant.
Genome position (GRCh38, 1-based): chr13:110,438,003, G>T. VCF-style: chr13-110438003-G-T. GRCh37 (hg19) VCF-style: chr13-111090350-G-T.
Other names: short protein forms G276V.
Identifiers: ClinVar variation 1331580 (VCV001331580.4), dbSNP rs372917662, ClinGen allele CA7049134.